The following is an entry in ClinVar:

ClinVar aggregate classification (germline): Uncertain significance. Review status: criteria provided, multiple submitters, no conflicts (2 of 4 stars). 4 submissions from 4 submitters: Uncertain significance (4). Last evaluated 2024-01-29.

Conditions:
Mowat-Wilson syndrome (MOWS). Also called: Classic Mowat-Wilson Syndrome. Identifiers: Orphanet 2152, MedGen C1856113, MONDO:0009341, OMIM 235730.

gnomAD v4.1: 3 of 1,613,950 alleles (0.00019%); highest among the groups gnomAD compares: East Asian, 0.0022%; no homozygotes.

Submissions (4):

Labcorp Genetics (formerly Invitae), Labcorp
Classification: Uncertain significance for Mowat-Wilson syndrome. Last evaluated: 2024-01-29. Review status: criteria provided, single submitter. Criteria: Invitae Variant Classification Sherloc (09022015). Collection method: clinical testing. Allele origin: germline.
Comment: This sequence change replaces valine, which is neutral and non-polar, with alanine, which is neutral and non-polar, at codon 428 of the ZEB2 protein (p.Val428Ala). This variant is not present in population databases (gnomAD no frequency). This variant has not been reported in the literature in individuals affected with ZEB2-related conditions. ClinVar contains an entry for this variant (Variation ID: 181731). An algorithm developed to predict the effect of missense changes on protein structure and function (PolyPhen-2) suggests that this variant is likely to be tolerated. In summary, the available evidence is currently insufficient to determine the role of this variant in disease. Therefore, it has been classified as a Variant of Uncertain Significance.

Genome-Nilou Lab
Classification: Uncertain significance for Mowat-Wilson syndrome. Last evaluated: 2021-11-07. Review status: criteria provided, single submitter. Criteria: ACMG Guidelines, 2015. Collection method: clinical testing. Allele origin: germline. Affected: no.

Fulgent Genetics
Classification: Uncertain significance for Mowat-Wilson syndrome. Last evaluated: 2018-10-31. Review status: criteria provided, single submitter. Criteria: ACMG Guidelines, 2015. Collection method: clinical testing. Allele origin: unknown.

GeneDx
Classification: Uncertain significance. Last evaluated: 2013-03-13. Review status: criteria provided, single submitter. Criteria: GeneDx Variant Classification (06012015). Collection method: clinical testing. Allele origin: germline. Affected: yes.
Comment: This variant is denoted p.Val428Ala at the protein level, c.1283 T>C at the cDNA level and results in the change of a Valine for an Alanine (GTT>GCT) in exon 8 of the ZEB2 gene (NM_014795.2). The Val428Ala missense change has not been published as a mutation, nor has it been reported as a benign polymorphism to our knowledge. It was not observed in approximately 6,500 individuals of European and African American ancestry in the NHLBI Exome Sequencing Project or among the various ethnic groups studied in the 1000 Genomes Project, indicating it is not a common benign variant in these populations. The amino acid substitution is conservative, as both Valine and Alanine are uncharged, non-polar amino acid residues and Val428Ala alters a conserved position in the ZEB2 protein. However, in-silico algorithms are not consistent in their predictions of whether Val428Ala is damaging to the structure/function of the protein. Additionally, missense mutations in the ZEB2 gene are rare and have been identified in less than 2% of patients with Mowat- Wilson syndrome (Garavelli et al., 2009). Therefore, based on the currently available information, it is unclear whether Val428Ala is a disease-causing mutation or a rare benign variant. The variant is found in EPILEPSY panel(s).

NM_014795.4(ZEB2):c.1283T>C (p.Val428Ala)

Gene: ZEB2 (zinc finger E-box binding homeobox 2; minus strand). Cytogenetic location: 2q22.3.
Variant type: single nucleotide variant.
Coding change: c.1283T>C on transcript NM_014795.4 (MANE Select); coding-DNA position 1283, T replaced by C.
Protein change: p.Val428Ala; replaces valine 428 with alanine.
Molecular consequence: missense variant.
Genome position (GRCh38, 1-based): chr2:144,399,904, A>G on the plus strand (T>C on the coding strand, the complement: ZEB2 is on the minus strand). VCF-style: chr2-144399904-A-G. GRCh37 (hg19) VCF-style: chr2-145157471-A-G.
Other names: p.V428A:GTT>GCT; c.1211T>C, p.Val404Ala (NM_001171653.2); short protein forms V428A, V404A.
Identifiers: ClinVar variation 181731 (VCV000181731.8), dbSNP rs730881192, ClinGen allele CA297593.